The following is an entry in ClinVar:

ClinVar aggregate classification (germline): Uncertain significance (1 of 4 stars; one submission).

Conditions:
Cardiovascular phenotype. Identifiers: MedGen CN230736.

Allele frequency attached by ClinVar (database versions not stated): TOPMed below 0.00001; gnomAD 0.00001.

Submission:

Ambry Genetics
Classification: Uncertain significance for Cardiovascular phenotype. Last evaluated: 2020-07-23. Review status: criteria provided, single submitter. Criteria: Ambry Variant Classification Scheme 2023. Collection method: clinical testing. Allele origin: germline.
Comment: The c.-4C>T variant is located in the 5' untranslated region (5&rsquo; UTR) of the FKRP gene. This variant results from a C to T substitution 4 bases upstream from the first translated codon. Based on nucleotide sequence alignment, this position is highly conserved in available vertebrate species. Since supporting evidence is limited at this time, the clinical significance of this alteration remains unclear.

NM_024301.5(FKRP):c.-4C>T

Gene: FKRP (fukutin related protein; plus strand). Cytogenetic location: 19q13.32.
Variant type: single nucleotide variant.
Coding change: c.-4C>T on transcript NM_024301.5 (MANE Select); 4 bases upstream of the start codon, C replaced by T.
Molecular consequence: 5 prime UTR variant.
Genome position (GRCh38, 1-based): chr19:46,755,447, C>T. VCF-style: chr19-46755447-C-T. GRCh37 (hg19) VCF-style: chr19-47258704-C-T.
Other names: c.-4C>T (NM_001039885.3).
Identifiers: ClinVar variation 1744697 (VCV001744697.2), dbSNP rs1397139072, ClinGen allele CA633484547.